The following is an entry in ClinVar:

ClinVar aggregate classification (germline): Uncertain significance (1 of 4 stars; one submission).

gnomAD v4.1: 44 of 1,608,990 alleles (0.0027%); highest among the groups gnomAD compares: Middle Eastern, 0.033%; no homozygotes.

Submission:

Labcorp Genetics (formerly Invitae), Labcorp
Classification: Uncertain significance. Last evaluated: 2025-08-08. Review status: criteria provided, single submitter. Criteria: Invitae Variant Classification Sherloc (09022015). Collection method: clinical testing. Allele origin: germline.
Comment: This sequence change replaces arginine, which is basic and polar, with tryptophan, which is neutral and slightly polar, at codon 549 of the RASGRP2 protein (p.Arg549Trp). This variant is present in population databases (rs757961182, gnomAD 0.005%). This variant has not been reported in the literature in individuals affected with RASGRP2-related conditions. Invitae Evidence Modeling of protein sequence and biophysical properties (such as structural, functional, and spatial information, amino acid conservation, physicochemical variation, residue mobility, and thermodynamic stability) has been performed for this missense variant. However, the output from this modeling did not meet the statistical confidence thresholds required to predict the impact of this variant on RASGRP2 protein function. In summary, the available evidence is currently insufficient to determine the role of this variant in disease. Therefore, it has been classified as a Variant of Uncertain Significance.

NM_001098671.2(RASGRP2):c.1645C>T (p.Arg549Trp)

Gene: RASGRP2 (RAS guanyl releasing protein 2; minus strand). Cytogenetic location: 11q13.1.
Variant type: single nucleotide variant.
Coding change: c.1645C>T on transcript NM_001098671.2 (MANE Select); coding-DNA position 1645, C replaced by T.
Protein change: p.Arg549Trp; replaces arginine 549 with tryptophan.
Molecular consequence: missense variant.
Genome position (GRCh38, 1-based): chr11:64,728,989, G>A on the plus strand (C>T on the coding strand, the complement: RASGRP2 is on the minus strand). VCF-style: chr11-64728989-G-A. GRCh37 (hg19) VCF-style: chr11-64496461-G-A.
Other names: c.1645C>T, p.Arg549Trp (NM_001098670.2, NM_001440690.1, NM_001440691.1 and 9 more transcripts); c.1210C>T, p.Arg404Trp (NM_001318398.2); c.1642C>T, p.Arg548Trp (NM_001440700.1, NM_001440701.1, NM_001440702.1); c.1732C>T, p.Arg578Trp (NM_001440703.1, NM_001440704.1); c.1729C>T, p.Arg577Trp (NM_001440705.1); short protein forms R549W, R577W, R578W, R404W, R548W.
Identifiers: ClinVar variation 4738219 (VCV004738219.1).